The following is an entry in ClinVar:

NM_001105206.3(LAMA4):c.359A>G (p.Asp120Gly)

Gene: LAMA4 (laminin subunit alpha 4; minus strand). Cytogenetic location: 6q21.
Variant type: single nucleotide variant.
Coding change: c.359A>G on transcript NM_001105206.3 (MANE Select); coding-DNA position 359, A replaced by G.
Protein change: p.Asp120Gly; replaces aspartic acid 120 with glycine.
Molecular consequence: missense variant.
Genome position (GRCh38, 1-based): chr6:112,207,084, T>C on the plus strand (A>G on the coding strand, the complement: LAMA4 is on the minus strand). VCF-style: chr6-112207084-T-C. GRCh37 (hg19) VCF-style: chr6-112528285-T-C.
Other names: c.359A>G, p.Asp120Gly (NM_001105207.3, NM_002290.5); short protein forms D120G.
Identifiers: ClinVar variation 1733040 (VCV001733040.3), dbSNP rs1201712752, ClinGen allele CA365381013.

ClinVar aggregate classification (germline): Uncertain significance. Review status: criteria provided, multiple submitters, no conflicts (2 of 4 stars). 2 submissions from 2 submitters: Uncertain significance (2). Last evaluated 2025-06-04.

Conditions:
Dilated cardiomyopathy 1JJ (CMD1JJ). Identifiers: Orphanet 154, MedGen C3808935, MONDO:0014095, OMIM 615235.
Cardiovascular phenotype. Identifiers: MedGen CN230736.

Allele frequency attached by ClinVar (database versions not stated): gnomAD exomes below 0.00001; TOPMed below 0.00001.
gnomAD v4.1: 1 of 1,613,976 alleles (0.000062%); highest among the groups gnomAD compares: Non-Finnish European, 0.000085%; no homozygotes.

Submissions (2):

Labcorp Genetics (formerly Invitae), Labcorp
Classification: Uncertain significance for Dilated cardiomyopathy 1JJ. Last evaluated: 2025-06-04. Review status: criteria provided, single submitter. Criteria: Invitae Variant Classification Sherloc (09022015). Collection method: clinical testing. Allele origin: germline.
Comment: This sequence change replaces aspartic acid, which is acidic and polar, with glycine, which is neutral and non-polar, at codon 120 of the LAMA4 protein (p.Asp120Gly). This variant is not present in population databases (gnomAD no frequency). This variant has not been reported in the literature in individuals affected with LAMA4-related conditions. ClinVar contains an entry for this variant (Variation ID: 1733040). Invitae Evidence Modeling of protein sequence and biophysical properties (such as structural, functional, and spatial information, amino acid conservation, physicochemical variation, residue mobility, and thermodynamic stability) indicates that this missense variant is expected to disrupt LAMA4 protein function with a positive predictive value of 80%. In summary, the available evidence is currently insufficient to determine the role of this variant in disease. Therefore, it has been classified as a Variant of Uncertain Significance.

Ambry Genetics
Classification: Uncertain significance for Cardiovascular phenotype. Last evaluated: 2021-08-16. Review status: criteria provided, single submitter. Criteria: Ambry Variant Classification Scheme 2023. Collection method: clinical testing. Allele origin: germline.
Comment: The p.D120G variant (also known as c.359A>G), located in coding exon 3 of the LAMA4 gene, results from an A to G substitution at nucleotide position 359. The aspartic acid at codon 120 is replaced by glycine, an amino acid with similar properties. This amino acid position is conserved. In addition, the in silico prediction for this alteration is inconclusive. Since supporting evidence is limited at this time, the clinical significance of this alteration remains unclear.